The following is an entry in ClinVar:

NM_172107.4(KCNQ2):c.354T>G (p.Tyr118Ter)

Gene: KCNQ2 (potassium voltage-gated channel subfamily Q member 2; minus strand). Cytogenetic location: 20q13.33.
Variant type: single nucleotide variant.
Coding change: c.354T>G on transcript NM_172107.4 (MANE Select); coding-DNA position 354, T replaced by G.
Protein change: p.Tyr118Ter; replaces tyrosine 118 with a stop codon.
Molecular consequence: nonsense.
Genome position (GRCh38, 1-based): chr20:63,446,780, A>C on the plus strand (T>G on the coding strand, the complement: KCNQ2 is on the minus strand). VCF-style: chr20-63446780-A-C. GRCh37 (hg19) VCF-style: chr20-62078133-A-C.
Other names: c.354T>G, p.Tyr118Ter (NM_001382235.1, NM_004518.6, NM_172106.3 and 2 more transcripts); short protein forms Y118*.
Identifiers: ClinVar variation 1459671 (VCV001459671.7), dbSNP rs2145789339, ClinGen allele CA409656404.
Genomic context (GRCh38, chr20:63,446,780, plus strand): 5'-CAGCCCCCGCCCTCCCTCGGGGCTCACCAGGATGTAGAGGGCCCCCTCCGAGCTCTTCTC[A>C]TACTCCTTGATGGTGGAAAACACAGACAGCACGAGGCAGGAGAAAACCAGGAGGAACCTG-3'

ClinVar aggregate classification (germline): Pathogenic (1 of 4 stars; one submission).

Conditions:
Early-infantile DEE. Also called: Early infantile epileptic encephalopathy; Ohtahara syndrome; Early infantile epileptic encephalopathy with suppression bursts. Identifiers: Orphanet 1934, MedGen C0393706, MONDO:0800491.

Submission:

Labcorp Genetics (formerly Invitae), Labcorp
Classification: Pathogenic for Early-infantile DEE. Last evaluated: 2021-01-02. Review status: criteria provided, single submitter. Criteria: Invitae Variant Classification Sherloc (09022015). Collection method: clinical testing. Allele origin: germline.
Comment: This variant is not present in population databases (ExAC no frequency). For these reasons, this variant has been classified as Pathogenic. Loss-of-function variants in KCNQ2 are known to be pathogenic (PMID: 14534157, 23692823, 27779742). This variant has not been reported in the literature in individuals with KCNQ2-related conditions. This sequence change creates a premature translational stop signal (p.Tyr118*) in the KCNQ2 gene. It is expected to result in an absent or disrupted protein product.

Literature cited by the submitters: PubMed 14534157; PubMed 23692823; PubMed 27779742.